The following is an entry in ClinVar:

NM_007294.4(BRCA1):c.4154T>A (p.Leu1385Gln)

Gene: BRCA1 (BRCA1 DNA repair associated; minus strand). Cytogenetic location: 17q21.31.
Variant type: single nucleotide variant.
Coding change: c.4154T>A on transcript NM_007294.4 (MANE Select); coding-DNA position 4154, T replaced by A.
Protein change: p.Leu1385Gln; replaces leucine 1385 with glutamine.
Molecular consequence: missense variant. On other transcripts: non-coding transcript variant (1).
Genome position (GRCh38, 1-based): chr17:43,090,975, A>T on the plus strand (T>A on the coding strand, the complement: BRCA1 is on the minus strand). VCF-style: chr17-43090975-A-T. GRCh37 (hg19) VCF-style: chr17-41242992-A-T.
Other names: c.3941T>A, p.Leu1314Gln (NM_001407571.1, NM_001407915.1, NM_001407916.1 and 9 more transcripts); c.4154T>A, p.Leu1385Gln (NM_001407581.1, NM_001407582.1, NM_001407583.1 and 30 more transcripts); c.4151T>A, p.Leu1384Gln (NM_001407587.1, NM_001407590.1, NM_001407591.1 and 22 more transcripts); c.4076T>A, p.Leu1359Gln (NM_001407653.1, NM_001407654.1, NM_001407655.1 and 4 more transcripts); c.4073T>A, p.Leu1358Gln (NM_001407659.1, NM_001407660.1, NM_001407661.1 and 1 more transcripts); c.4028T>A, p.Leu1343Gln (NM_001407672.1, NM_001407673.1, NM_001407691.1 and 11 more transcripts); c.4031T>A, p.Leu1344Gln (NM_001407674.1, NM_001407675.1, NM_001407676.1 and 19 more transcripts); c.4013T>A, p.Leu1338Gln (NM_001407692.1, NM_001407694.1, NM_001407695.1 and 29 more transcripts); and 41 more; short protein forms L1273Q, L1315Q, L1318Q, L1343Q, L1358Q, L1359Q, L1382Q, L170Q.
Identifiers: ClinVar variation 1738287 (VCV001738287.2), dbSNP rs1597858317, ClinGen allele CA10593415.
Genomic context (GRCh38, chr17:43,090,975, plus strand): 5'-GCATGTGCACACACACACACGCTTTTTACCTGAGTGGTTAAAATGTCACTCTGAGAGGAT[A>T]GCCCTGAGCAGTCTTCAGAGACGCTTGTTTCACTCTCACACCCAGATGCTGCTTCACCTT-3'
Protein context (NP_009225.1, residues 1375-1395): ETSVSEDCSG[Leu1385Gln]SSQSDILTTQ

ClinVar aggregate classification (germline): Uncertain significance (1 of 4 stars; one submission).

Conditions:
Hereditary cancer-predisposing syndrome. Also called: Neoplastic Syndromes, Hereditary; Tumor predisposition; Hereditary Cancer Syndrome; Hereditary neoplastic syndrome. Identifiers: Orphanet 140162, MedGen C0027672, MeSH D009386, MONDO:0015356.

Submission:

Ambry Genetics
Classification: Uncertain significance for Hereditary cancer-predisposing syndrome. Last evaluated: 2021-05-13. Review status: criteria provided, single submitter. Criteria: Ambry Variant Classification Scheme 2023. Collection method: clinical testing. Allele origin: germline.
Comment: The p.L1385Q variant (also known as c.4154T>A), located in coding exon 10 of the BRCA1 gene, results from a T to A substitution at nucleotide position 4154. The leucine at codon 1385 is replaced by glutamine, an amino acid with dissimilar properties. This amino acid position is not well conserved in available vertebrate species. In addition, this alteration is predicted to be deleterious by in silico analysis. Since supporting evidence is limited at this time, the clinical significance of this alteration remains unclear.